The following is an entry in ClinVar:

ClinVar aggregate classification (germline): Pathogenic (1 of 4 stars; one submission).

Submission:

Labcorp Genetics (formerly Invitae), Labcorp
Classification: Pathogenic. Last evaluated: 2023-10-05. Review status: criteria provided, single submitter. Criteria: Invitae Variant Classification Sherloc (09022015). Collection method: clinical testing. Allele origin: germline.
Comment: This variant is a gross deletion of the genomic region encompassing exon(s) 2-5 of the TYRP1 gene, which includes the initiator codon. This deletion extends beyond the assayed region for this gene and therefore may encompass additional genes. It is expected to result in an absent or disrupted protein product. Loss-of-function variants in TYRP1 are known to be pathogenic (PMID: 8651291, 9345097). This variant has not been reported in the literature in individuals affected with TYRP1-related conditions. For these reasons, this variant has been classified as Pathogenic.

Literature cited by the submitters: PubMed 8651291; PubMed 9345097.

NC_000009.11:g.(?_12693997)_(12702458_?)del

Gene: TYRP1 (tyrosinase related protein 1; plus strand). Cytogenetic location: 9p23.
Variant type: Deletion.
Identifiers: ClinVar variation 2423316 (VCV002423316.4).